The following is an entry in ClinVar:

ClinVar aggregate classification (germline): Uncertain significance (1 of 4 stars; one submission).

Allele frequency attached by ClinVar (database versions not stated): gnomAD exomes 0.00004; gnomAD 0.00007; ExAC 0.00008; ESP Exome Variant Server 0.00008; TOPMed 0.00012.
gnomAD v4.1: 73 of 1,614,014 alleles (0.0045%); highest among the groups gnomAD compares: Admixed American, 0.028%; no homozygotes.

Submission:

Labcorp Genetics (formerly Invitae), Labcorp
Classification: Uncertain significance. Last evaluated: 2022-05-26. Review status: criteria provided, single submitter. Criteria: Invitae Variant Classification Sherloc (09022015). Collection method: clinical testing. Allele origin: germline.
Comment: This sequence change replaces phenylalanine, which is neutral and non-polar, with leucine, which is neutral and non-polar, at codon 60 of the COA7 protein (p.Phe60Leu). This variant is present in population databases (rs139564439, gnomAD 0.07%). This variant has not been reported in the literature in individuals affected with COA7-related conditions. Algorithms developed to predict the effect of missense changes on protein structure and function (SIFT, PolyPhen-2, Align-GVGD) all suggest that this variant is likely to be tolerated. In summary, the available evidence is currently insufficient to determine the role of this variant in disease. Therefore, it has been classified as a Variant of Uncertain Significance.

NM_023077.3(COA7):c.180T>G (p.Phe60Leu)

Gene: COA7 (cytochrome c oxidase assembly factor 7; minus strand). Cytogenetic location: 1p32.3.
Variant type: single nucleotide variant.
Coding change: c.180T>G on transcript NM_023077.3 (MANE Select); coding-DNA position 180, T replaced by G.
Protein change: p.Phe60Leu; replaces phenylalanine 60 with leucine.
Molecular consequence: missense variant.
Genome position (GRCh38, 1-based): chr1:52,692,794, A>C on the plus strand (T>G on the coding strand, the complement: COA7 is on the minus strand). VCF-style: chr1-52692794-A-C. GRCh37 (hg19) VCF-style: chr1-53158466-A-C.
Other names: short protein forms F60L.
Identifiers: ClinVar variation 2076792 (VCV002076792.1), dbSNP rs139564439, ClinGen allele CA855697.